The following is an entry in ClinVar:

ClinVar aggregate classification (germline): Uncertain significance (1 of 4 stars; one submission).

Conditions:
Hereditary spastic paraplegia 50 (SPG50). Also called: Spastic paraplegia 50, autosomal recessive. Identifiers: Orphanet 280763, MedGen C2752008, MONDO:0013048, OMIM 612936.

Allele frequency attached by ClinVar (database versions not stated): TOPMed below 0.00001.

Submission:

Labcorp Genetics (formerly Invitae), Labcorp
Classification: Uncertain significance for Hereditary spastic paraplegia 50. Last evaluated: 2022-04-25. Review status: criteria provided, single submitter. Criteria: Invitae Variant Classification Sherloc (09022015). Collection method: clinical testing. Allele origin: germline.
Comment: In summary, the available evidence is currently insufficient to determine the role of this variant in disease. Therefore, it has been classified as a Variant of Uncertain Significance. Algorithms developed to predict the effect of missense changes on protein structure and function (SIFT, PolyPhen-2, Align-GVGD) all suggest that this variant is likely to be disruptive. This variant has not been reported in the literature in individuals affected with AP4M1-related conditions. This variant is not present in population databases (gnomAD no frequency). This sequence change replaces threonine, which is neutral and polar, with isoleucine, which is neutral and non-polar, at codon 280 of the AP4M1 protein (p.Thr280Ile).

NM_004722.4(AP4M1):c.839C>T (p.Thr280Ile)

Gene: AP4M1 (adaptor related protein complex 4 subunit mu 1; plus strand). Cytogenetic location: 7q22.1.
Variant type: single nucleotide variant.
Coding change: c.839C>T on transcript NM_004722.4 (MANE Select); coding-DNA position 839, C replaced by T.
Protein change: p.Thr280Ile; replaces threonine 280 with isoleucine.
Molecular consequence: missense variant.
Genome position (GRCh38, 1-based): chr7:100,105,449, C>T. VCF-style: chr7-100105449-C-T. GRCh37 (hg19) VCF-style: chr7-99703072-C-T.
Other names: c.860C>T, p.Thr287Ile (NM_001363671.2); short protein forms T280I, T287I.
Identifiers: ClinVar variation 2146843 (VCV002146843.3), dbSNP rs1796385302, ClinGen allele CA368472324.
Genomic context (GRCh38, chr7:100,105,449, plus strand): 5'-AAGGGGGCAGTGGGGTCGTGAGACCAAACTAACCTTGTTGCTCTCTGGTCTCTCAGCTGA[C>T]TGTGATGCGGTACCAACTCTCCGATGACCTCCCCTCACCGCTCCCCTTCCGGCTCTTCCC-3'
Protein context (NP_004713.2, residues 270-290): LRLQPPQGEL[Thr280Ile]VMRYQLSDDL